The following is an entry in ClinVar:

NM_001267550.2(TTN):c.90529T>C (p.Phe30177Leu)

Genes: TTN (titin; minus strand), TTN-AS1 (TTN antisense RNA 1; plus strand). Cytogenetic location: 2q31.2.
Variant type: single nucleotide variant.
Coding change: c.90529T>C on transcript NM_001267550.2 (MANE Select); coding-DNA position 90529, T replaced by C.
Protein change: p.Phe30177Leu; replaces phenylalanine 30177 with leucine.
Molecular consequence: missense variant.
Genome position (GRCh38, 1-based): chr2:178,552,371, A>G on the plus strand (T>C on the coding strand, the complement: TTN is on the minus strand). VCF-style: chr2-178552371-A-G. GRCh37 (hg19) VCF-style: chr2-179417098-A-G.
Other names: p.Phe27609Leu; c.85606T>C, p.Phe28536Leu (NM_001256850.1); c.63334T>C, p.Phe21112Leu (NM_003319.4); c.82825T>C, p.Phe27609Leu (NM_133378.4); c.63709T>C, p.Phe21237Leu (NM_133432.3); c.63910T>C, p.Phe21304Leu (NM_133437.4); short protein forms F21112L, F21237L, F21304L, F27609L, F28536L, F30177L.
Identifiers: ClinVar variation 2682762 (VCV002682762.1), dbSNP rs748918212, ClinGen allele CA1987781.

ClinVar aggregate classification (germline): Uncertain significance (1 of 4 stars; one submission).

Allele frequency attached by ClinVar (database versions not stated): gnomAD exomes 0.00001; ExAC 0.00003.
gnomAD v4.1: 8 of 1,593,450 alleles (0.0005%); highest among the groups gnomAD compares: East Asian, 0.0067%; no homozygotes.

Submission:

Mayo Clinic Laboratories, Mayo Clinic
Classification: Uncertain significance. Last evaluated: 2022-10-21. Review status: criteria provided, single submitter. Criteria: ACMG Guidelines, 2015. Collection method: clinical testing. Allele origin: germline. Observed: 1 variant allele.
Comment: BP4